The following is an entry in ClinVar:

NM_000329.3(RPE65):c.1038A>C (p.Leu346Phe)

Gene: RPE65 (retinoid isomerohydrolase RPE65; minus strand). Cytogenetic location: 1p31.3.
Variant type: single nucleotide variant.
Coding change: c.1038A>C on transcript NM_000329.3 (MANE Select); coding-DNA position 1038, A replaced by C.
Protein change: p.Leu346Phe; replaces leucine 346 with phenylalanine.
Molecular consequence: missense variant.
Genome position (GRCh38, 1-based): chr1:68,438,277, T>G on the plus strand (A>C on the coding strand, the complement: RPE65 is on the minus strand). VCF-style: chr1-68438277-T-G. GRCh37 (hg19) VCF-style: chr1-68903960-T-G.
Other names: short protein forms L346F.
Identifiers: ClinVar variation 1382505 (VCV001382505.6), dbSNP rs2100817108, ClinGen allele CA340744323.

ClinVar aggregate classification (germline): Uncertain significance (1 of 4 stars; one submission).

Conditions:
Retinitis pigmentosa 20 (RP20). Identifiers: Orphanet 791, MedGen C3151086, MONDO:0013425, OMIM 613794.
Leber congenital amaurosis 2 (LCA2). Also called: Autosomal Recessive RPE65-Related Retinal Degeneration; AMAUROSIS CONGENITA OF LEBER II. Identifiers: Orphanet 65, MedGen C1859844, MONDO:0008765, OMIM 204100. Disease mechanism: loss of function.

Submission:

Labcorp Genetics (formerly Invitae), Labcorp
Classification: Uncertain significance for Leber congenital amaurosis 2; Retinitis pigmentosa 20. Last evaluated: 2024-10-02. Review status: criteria provided, single submitter. Criteria: Invitae Variant Classification Sherloc (09022015). Collection method: clinical testing. Allele origin: germline.
Comment: This sequence change replaces leucine, which is neutral and non-polar, with phenylalanine, which is neutral and non-polar, at codon 346 of the RPE65 protein (p.Leu346Phe). This variant is not present in population databases (gnomAD no frequency). This variant has not been reported in the literature in individuals affected with RPE65-related conditions. ClinVar contains an entry for this variant (Variation ID: 1382505). Invitae Evidence Modeling of protein sequence and biophysical properties (such as structural, functional, and spatial information, amino acid conservation, physicochemical variation, residue mobility, and thermodynamic stability) indicates that this missense variant is not expected to disrupt RPE65 protein function with a negative predictive value of 80%. In summary, the available evidence is currently insufficient to determine the role of this variant in disease. Therefore, it has been classified as a Variant of Uncertain Significance.